The following is an entry in ClinVar:

NM_001271.4(CHD2):c.5105A>C (p.Gln1702Pro)

Gene: CHD2 (chromodomain helicase DNA binding protein 2; plus strand). Cytogenetic location: 15q26.1.
Variant type: single nucleotide variant.
Coding change: c.5105A>C on transcript NM_001271.4 (MANE Select); coding-DNA position 5105, A replaced by C.
Protein change: p.Gln1702Pro; replaces glutamine 1702 with proline.
Molecular consequence: missense variant.
Genome position (GRCh38, 1-based): chr15:93,020,210, A>C. VCF-style: chr15-93020210-A-C. GRCh37 (hg19) VCF-style: chr15-93563440-A-C.
Other names: short protein forms Q1702P.
Identifiers: ClinVar variation 1695502 (VCV001695502.2), dbSNP rs1064796157, ClinGen allele CA393907905.

ClinVar aggregate classification (germline): Uncertain significance (1 of 4 stars; one submission).

Allele frequency attached by ClinVar (database versions not stated): gnomAD exomes below 0.00001.
gnomAD v4.1: 1 of 1,614,114 alleles (0.000062%); highest among the groups gnomAD compares: Non-Finnish European, 0.000085%; no homozygotes.

Submission:

GeneDx
Classification: Uncertain significance. Last evaluated: 2022-01-05. Review status: criteria provided, single submitter. Criteria: GeneDx Variant Classification Process June 2021. Collection method: clinical testing. Allele origin: germline. Affected: yes.
Comment: Not observed at significant frequency in large population cohorts (gnomAD); In silico analysis supports that this missense variant does not alter protein structure/function; Has not been previously published as pathogenic or benign to our knowledge